The following is an entry in ClinVar:

NM_000722.4(CACNA2D1):c.3133G>A (p.Asp1045Asn)

Gene: CACNA2D1 (calcium voltage-gated channel auxiliary subunit alpha2delta 1; minus strand). Cytogenetic location: 7q21.11.
Variant type: single nucleotide variant.
Coding change: c.3133G>A on transcript NM_000722.4 (MANE Select); coding-DNA position 3133, G replaced by A.
Protein change: p.Asp1045Asn; replaces aspartic acid 1045 with asparagine.
Molecular consequence: missense variant.
Genome position (GRCh38, 1-based): chr7:81,959,301, C>T on the plus strand (G>A on the coding strand, the complement: CACNA2D1 is on the minus strand). VCF-style: chr7-81959301-C-T. GRCh37 (hg19) VCF-style: chr7-81588617-C-T.
Other names: c.3169G>A, p.Asp1057Asn (NM_001366867.1); short protein forms D1045N, D1057N.
Identifiers: ClinVar variation 3262814 (VCV003262814.1).
Genomic context (GRCh38, chr7:81,959,301, plus strand): 5'-ATAGTATTTTAATCCAGTAGAAGTGTGATCTTACCAAGACATTGTTATCAAAGCAGACAT[C>T]AGGCCCTTTTCGGTATCTGGGTTGCTTAACCATGTCACAAGGATTTGGACCGTCAGCTAA-3'
Protein context (NP_000713.2, residues 1035-1055): VKQPRYRKGP[Asp1045Asn]VCFDNNVLED

ClinVar aggregate classification (germline): Uncertain significance (1 of 4 stars; one submission).

Conditions:
Cardiovascular phenotype. Identifiers: MedGen CN230736.

gnomAD v4.1: 1 of 1,610,570 alleles (0.000062%); highest among the groups gnomAD compares: Non-Finnish European, 0.000085%; no homozygotes.

Submission:

Ambry Genetics
Classification: Uncertain significance for Cardiovascular phenotype. Last evaluated: 2024-04-25. Review status: criteria provided, single submitter. Criteria: Ambry Variant Classification Scheme 2023. Collection method: clinical testing. Allele origin: germline.
Comment: The p.D1045N variant (also known as c.3133G>A), located in coding exon 38 of the CACNA2D1 gene, results from a G to A substitution at nucleotide position 3133. The aspartic acid at codon 1045 is replaced by asparagine, an amino acid with highly similar properties. This amino acid position is conserved. In addition, this alteration is predicted to be tolerated by in silico analysis. Based on the available evidence, the clinical significance of this variant remains unclear.